The following is an entry in ClinVar:

ClinVar aggregate classification (germline): Uncertain significance (1 of 4 stars; one submission).

gnomAD v4.1: 5 of 1,441,878 alleles (0.00035%); highest among the groups gnomAD compares: East Asian, 0.012%; no homozygotes.

Submission:

Labcorp Genetics (formerly Invitae), Labcorp
Classification: Uncertain significance. Last evaluated: 2025-09-21. Review status: criteria provided, single submitter. Criteria: Invitae Variant Classification Sherloc (09022015). Collection method: clinical testing. Allele origin: germline.
Comment: This sequence change replaces aspartic acid, which is acidic and polar, with asparagine, which is neutral and polar, at codon 23 of the POLR3F protein (p.Asp23Asn). This variant is not present in population databases (gnomAD no frequency). This variant has not been reported in the literature in individuals affected with POLR3F-related conditions. Experimental studies and prediction algorithms are not available or were not evaluated, and the functional significance of this variant is currently unknown. In summary, the available evidence is currently insufficient to determine the role of this variant in disease. Therefore, it has been classified as a Variant of Uncertain Significance.

NM_006466.4(POLR3F):c.190G>A (p.Asp64Asn)

Gene: POLR3F (RNA polymerase III subunit F; plus strand). Cytogenetic location: 20p11.23.
Variant type: single nucleotide variant.
Coding change: c.190G>A on transcript NM_006466.4 (MANE Select); coding-DNA position 190, G replaced by A.
Protein change: p.Asp64Asn; replaces aspartic acid 64 with asparagine.
Molecular consequence: missense variant. On other transcripts: non-coding transcript variant (1).
Genome position (GRCh38, 1-based): chr20:18,472,851, G>A. VCF-style: chr20-18472851-G-A. GRCh37 (hg19) VCF-style: chr20-18453495-G-A.
Other names: c.67G>A, p.Asp23Asn (NM_001282526.2); c.190G>A, p.Asp64Asn (NM_001410821.1); short protein forms D64N, D23N.
Identifiers: ClinVar variation 4767526 (VCV004767526.1).